The following is an entry in ClinVar:

ClinVar aggregate classification (germline): Uncertain significance (1 of 4 stars; one submission).

Submission:

Labcorp Genetics (formerly Invitae), Labcorp
Classification: Uncertain significance. Last evaluated: 2022-08-13. Review status: criteria provided, single submitter. Criteria: Invitae Variant Classification Sherloc (09022015). Collection method: clinical testing. Allele origin: germline.
Comment: This variant has not been reported in the literature in individuals affected with ADGRV1-related conditions. This sequence change replaces methionine, which is neutral and non-polar, with leucine, which is neutral and non-polar, at codon 6126 of the ADGRV1 protein (p.Met6126Leu). This variant is not present in population databases (gnomAD no frequency). Algorithms developed to predict the effect of missense changes on protein structure and function output the following: SIFT: "Tolerated"; PolyPhen-2: "Benign"; Align-GVGD: "Class C0". The leucine amino acid residue is found in multiple mammalian species, which suggests that this missense change does not adversely affect protein function. In summary, the available evidence is currently insufficient to determine the role of this variant in disease. Therefore, it has been classified as a Variant of Uncertain Significance.

NM_032119.4(ADGRV1):c.18376A>T (p.Met6126Leu)

Gene: ADGRV1 (adhesion G protein-coupled receptor V1; plus strand). Cytogenetic location: 5q14.3.
Variant type: single nucleotide variant.
Coding change: c.18376A>T on transcript NM_032119.4 (MANE Select); coding-DNA position 18376, A replaced by T.
Protein change: p.Met6126Leu; replaces methionine 6126 with leucine.
Molecular consequence: missense variant. On other transcripts: non-coding transcript variant (1).
Genome position (GRCh38, 1-based): chr5:91,102,284, A>T. VCF-style: chr5-91102284-A-T. GRCh37 (hg19) VCF-style: chr5-90398101-A-T.
Other names: short protein forms M6126L.
Identifiers: ClinVar variation 1716409 (VCV001716409.5), dbSNP rs1259604363, ClinGen allele CA360431448.